The following is an entry in ClinVar:

ClinVar aggregate classification (germline): Uncertain significance. Review status: criteria provided, multiple submitters, no conflicts (2 of 4 stars). 2 submissions from 2 submitters: Uncertain significance (2). Last evaluated 2024-12-01.

Allele frequency attached by ClinVar (database versions not stated): gnomAD exomes below 0.00001; ExAC 0.00001; gnomAD 0.00001; TOPMed 0.00001.
gnomAD v4.1: 15 of 1,614,022 alleles (0.00093%); highest among the groups gnomAD compares: Middle Eastern, 0.21%; 1 homozygote.

Submissions (2):

CeGaT Center for Human Genetics Tuebingen
Classification: Uncertain significance. Last evaluated: 2024-12-01. Review status: criteria provided, single submitter. Criteria: CeGaT Center For Human Genetics Tuebingen Variant Classification Criteria Version 2. Collection method: clinical testing. Allele origin: germline. Affected: yes. Observed: 1 variant allele.
Comment: GRM1: PP2, BP4

Athena Diagnostics
Classification: Uncertain significance. Last evaluated: 2016-09-12. Review status: criteria provided, single submitter. Criteria: Athena Diagnostics Criteria. Collection method: clinical testing. Allele origin: germline.

NM_001278064.2(GRM1):c.428A>T (p.Asp143Val)

Gene: GRM1 (glutamate metabotropic receptor 1; plus strand). Cytogenetic location: 6q24.3.
Variant type: single nucleotide variant.
Coding change: c.428A>T on transcript NM_001278064.2 (MANE Select); coding-DNA position 428, A replaced by T.
Protein change: p.Asp143Val; replaces aspartic acid 143 with valine.
Molecular consequence: missense variant.
Genome position (GRCh38, 1-based): chr6:146,029,945, A>T. VCF-style: chr6-146029945-A-T. GRCh37 (hg19) VCF-style: chr6-146351081-A-T.
Other names: c.428A>T, p.Asp143Val (NM_001278065.2, NM_001278066.1, NM_001278067.1); short protein forms D143V.
Identifiers: ClinVar variation 447466 (VCV000447466.14), dbSNP rs766288983, ClinGen allele CA4037055.